The following is an entry in ClinVar:

NM_001283009.2(RTEL1):c.2903G>T (p.Cys968Phe)

Genes: RTEL1 (regulator of telomere elongation helicase 1; plus strand), RTEL1-TNFRSF6B (RTEL1-TNFRSF6B readthrough (NMD candidate); plus strand). Cytogenetic location: 20q13.33.
Variant type: single nucleotide variant.
Coding change: c.2903G>T on transcript NM_001283009.2 (MANE Select); coding-DNA position 2903, G replaced by T.
Protein change: p.Cys968Phe; replaces cysteine 968 with phenylalanine.
Molecular consequence: missense variant. On other transcripts: non-coding transcript variant (1).
Genome position (GRCh38, 1-based): chr20:63,693,194, G>T. VCF-style: chr20-63693194-G-T. GRCh37 (hg19) VCF-style: chr20-62324547-G-T.
Other names: c.2234G>T, p.Cys745Phe (NM_001283010.1); c.2903G>T, p.Cys968Phe (NM_016434.4); c.2975G>T, p.Cys992Phe (NM_032957.5); short protein forms C745F, C968F, C992F.
Identifiers: ClinVar variation 4863531 (VCV004863531.1).

ClinVar aggregate classification (germline): Uncertain significance (1 of 4 stars; one submission).

Conditions:
Inborn genetic diseases. Identifiers: MedGen C0950123, MeSH D030342.

Submission:

Ambry Genetics
Classification: Uncertain significance for Inborn genetic diseases. Last evaluated: 2026-03-30. Review status: criteria provided, single submitter. Criteria: Ambry Variant Classification Scheme 2023. Collection method: clinical testing. Allele origin: germline.
Comment: The p.C968F variant (also known as c.2903G>T), located in coding exon 29 of the RTEL1 gene, results from a G to T substitution at nucleotide position 2903. The cysteine at codon 968 is replaced by phenylalanine, an amino acid with highly dissimilar properties. This amino acid position is conserved. In addition, the in silico prediction for this alteration is inconclusive. Based on the available evidence, the clinical significance of this variant remains unclear.